The following is an entry in ClinVar:

NM_052947.4(ALPK2):c.1035A>T (p.Gln345His)

Genes: ALPK2 (alpha kinase 2; minus strand), LOC114803473 (ALPK2 eExon liver enhancer; plus strand). Cytogenetic location: 18q21.31.
Variant type: single nucleotide variant.
Coding change: c.1035A>T on transcript NM_052947.4 (MANE Select); coding-DNA position 1035, A replaced by T.
Protein change: p.Gln345His; replaces glutamine 345 with histidine.
Molecular consequence: missense variant.
Genome position (GRCh38, 1-based): chr18:58,579,741, T>A on the plus strand (A>T on the coding strand, the complement: ALPK2 is on the minus strand). VCF-style: chr18-58579741-T-A. GRCh37 (hg19) VCF-style: chr18-56246973-T-A.
Other names: short protein forms Q345H.
Identifiers: ClinVar variation 1772255 (VCV001772255.3), dbSNP rs2051945907, ClinGen allele CA402565005.

ClinVar aggregate classification (germline): Uncertain significance (1 of 4 stars; one submission).

Submission:

Ambry Genetics
Classification: Uncertain significance. Last evaluated: 2024-05-31. Review status: criteria provided, single submitter. Criteria: Ambry Variant Classification Scheme 2023. Collection method: clinical testing. Allele origin: germline.
Comment: The p.Q345H variant (also known as c.1035A>T), located in coding exon 3 of the ALPK2 gene, results from an A to T substitution at nucleotide position 1035. The glutamine at codon 345 is replaced by histidine, an amino acid with highly similar properties. This amino acid position is conserved. In addition, this alteration is predicted to be tolerated by in silico analysis. Since supporting evidence is limited at this time, the clinical significance of this alteration remains unclear.